The following is an entry in ClinVar:

ClinVar aggregate classification (germline): Pathogenic (1 of 4 stars; one submission).

Submission:

Illumina Laboratory Services, Illumina
Classification: Pathogenic. Last evaluated: 2019-07-17. Review status: criteria provided, single submitter. Criteria: ICSL CNVClassificationCriteria Aug2020. Collection method: clinical testing. Allele origin: unknown.
Comment: This CNV is a 313 kb deletion of the X chromosome at Xp21.1, (seq[GRCh37]del(X)(Xp21.1); chrX:g.31593373_31906309del). This CNV, which is of unknown inheritance, is a deletion that disrupts the DMD gene. The breakpoints occur in introns 47 and 55, resulting in the in-frame loss of exons 48-55 (NM_004006.2). Smaller, distal deletions involving exons 45-58 have been frequently observed in patients with Becker muscular dystrophy (Magri et al. 2011). A single deletion similar to this CNV has been reported in controls (MacDonald et al. 2014), but carrier females may be asymptomatic. Based on the collective evidence, this CNV is classified as pathogenic.

Literature cited by the submitters: PubMed 21399986; PubMed 24174537.

GRCh37/hg19 Xp21.1(chrX:31593373-31906309)x0

Gene: DMD (dystrophin; minus strand). Cytogenetic location: Xp21.1.
Variant type: copy number loss.
Change: copy number 0 of chrX:31,593,373-31,906,309 (312.9 kb, GRCh37 coordinates, 1-based), cytogenetic band Xp21.1.
Identifiers: ClinVar variation 988941 (VCV000988941.4).